The following is an entry in ClinVar:

ClinVar aggregate classification (germline): Uncertain significance. Review status: criteria provided, multiple submitters, no conflicts (2 of 4 stars). 2 submissions from 2 submitters: Uncertain significance (2). Last evaluated 2026-01-15.

Conditions:
Hereditary cancer-predisposing syndrome. Also called: Tumor predisposition; Hereditary neoplastic syndrome; Hereditary Cancer Syndrome; Neoplastic Syndromes, Hereditary. Identifiers: Orphanet 140162, MedGen C0027672, MeSH D009386, MONDO:0015356.
Neuroblastoma, susceptibility to, 3. Also called: ALK-Related Neuroblastic Tumor Susceptibility. Identifiers: Orphanet 635, MedGen C2751681, MONDO:0013083, OMIM 613014.

Submissions (2):

Ambry Genetics
Classification: Uncertain significance for Hereditary cancer-predisposing syndrome. Last evaluated: 2026-01-15. Review status: criteria provided, single submitter. Criteria: Ambry Variant Classification Scheme 2023. Collection method: clinical testing. Allele origin: germline.
Comment: The p.P1570L variant (also known as c.4709C>T), located in coding exon 29 of the ALK gene, results from a C to T substitution at nucleotide position 4709. The proline at codon 1570 is replaced by leucine, an amino acid with similar properties. This amino acid position is conserved. In addition, this alteration is predicted to be tolerated by in silico analysis. Based on the available evidence, the clinical significance of this variant remains unclear.

Labcorp Genetics (formerly Invitae), Labcorp
Classification: Uncertain significance for Neuroblastoma, susceptibility to, 3. Last evaluated: 2022-11-14. Review status: criteria provided, single submitter. Criteria: Invitae Variant Classification Sherloc (09022015). Collection method: clinical testing. Allele origin: germline.
Comment: This sequence change replaces proline, which is neutral and non-polar, with leucine, which is neutral and non-polar, at codon 1570 of the ALK protein (p.Pro1570Leu). This variant is not present in population databases (gnomAD no frequency). This variant has not been reported in the literature in individuals affected with ALK-related conditions. ClinVar contains an entry for this variant (Variation ID: 938794). In summary, the available evidence is currently insufficient to determine the role of this variant in disease. Therefore, it has been classified as a Variant of Uncertain Significance. Algorithms developed to predict the effect of missense changes on protein structure and function (SIFT, PolyPhen-2, Align-GVGD) all suggest that this variant is likely to be disruptive.

NM_004304.5(ALK):c.4709C>T (p.Pro1570Leu)

Gene: ALK (ALK receptor tyrosine kinase; minus strand). Cytogenetic location: 2p23.2.
Variant type: single nucleotide variant.
Coding change: c.4709C>T on transcript NM_004304.5 (MANE Select); coding-DNA position 4709, C replaced by T.
Protein change: p.Pro1570Leu; replaces proline 1570 with leucine.
Molecular consequence: missense variant.
Genome position (GRCh38, 1-based): chr2:29,193,378, G>A on the plus strand (C>T on the coding strand, the complement: ALK is on the minus strand). VCF-style: chr2-29193378-G-A. GRCh37 (hg19) VCF-style: chr2-29416244-G-A.
Other names: c.1505C>T, p.Pro502Leu (NM_001353765.2); short protein forms P1570L, P502L.
Identifiers: ClinVar variation 938794 (VCV000938794.10), dbSNP rs1668925964, ClinGen allele CA346460408.
Genomic context (GRCh38, chr2:29,193,378, plus strand): 5'-CCCTGTTGCTGGTAGCCGTAATTGACATTCCCACAAGGGAAGTGACGTAGCCTGAACAGA[G>A]GTACCTCCTTCATATTGGCAGTCAGCGAAGAGGGCTCTAGGAGCAGTGAGGCCCCCGGAA-3'
Protein context (NP_004295.2, residues 1560-1580): SSLTANMKEV[Pro1570Leu]LFRLRHFPCG